The following is an entry in ClinVar:

ClinVar aggregate classification (germline): Pathogenic (1 of 4 stars; one submission).

Submission:

Labcorp Genetics (formerly Invitae), Labcorp
Classification: Pathogenic. Last evaluated: 2022-11-17. Review status: criteria provided, single submitter. Criteria: Invitae Variant Classification Sherloc (09022015). Collection method: clinical testing. Allele origin: germline.
Comment: Information on the frequency of this variant in the gnomAD database is not available, as this variant may be reported differently in the database. This sequence change creates a premature translational stop signal (p.Gln174*) in the TCF20 gene. It is expected to result in an absent or disrupted protein product. Loss-of-function variants in TCF20 are known to be pathogenic (PMID: 30739909, 30819258). This variant has not been reported in the literature in individuals affected with TCF20-related conditions. For these reasons, this variant has been classified as Pathogenic.

Literature cited by the submitters: PubMed 30739909; PubMed 30819258.

NM_001378418.1(TCF20):c.519_520delinsTT (p.Gln174Ter)

Gene: TCF20 (transcription factor 20; minus strand). Cytogenetic location: 22q13.2.
Variant type: Indel.
Coding change: c.519_520delinsTT on transcript NM_001378418.1 (MANE Select); coding-DNA positions 519 to 520, CC replaced by TT.
Protein change: p.Gln174Ter; replaces glutamine 174 with a stop codon.
Molecular consequence: nonsense.
Genome position (GRCh38, 1-based): chr22:42,214,786-42,214,787, GG replaced by AA on the plus strand (CC replaced by TT on the coding strand, the reverse complement: TCF20 is on the minus strand). VCF-style: chr22-42214786-GG-AA. GRCh37 (hg19) VCF-style: chr22-42610792-GG-AA.
Other names: c.519_520delinsTT, p.Gln174Ter (NM_005650.4, NM_181492.3); short protein forms Q174*.
Identifiers: ClinVar variation 2810231 (VCV002810231.3), dbSNP rs2518244849, ClinGen allele CA2739268008.
Genomic context (GRCh38, chr22:42,214,786, plus strand): 5'-GGGGCTGATGGGACTGGTAAAGCTGTTGTCTCAACTGCTGGACTTGCTGCTGCTGCTGCT[GG>AA]CTGGAAGCCTGCTGTTGGTACTGAGCACTCCCTGGAGAGAAAGGCCCAGTGTAATCCTGC-3'